The following is an entry in ClinVar:

ClinVar aggregate classification (germline): Uncertain significance (1 of 4 stars; one submission).

Submission:

Labcorp Genetics (formerly Invitae), Labcorp
Classification: Uncertain significance. Last evaluated: 2025-06-18. Review status: criteria provided, single submitter. Criteria: Invitae Variant Classification Sherloc (09022015). Collection method: clinical testing. Allele origin: germline.
Comment: This sequence change replaces valine, which is neutral and non-polar, with isoleucine, which is neutral and non-polar, at codon 585 of the CLPX protein (p.Val585Ile). The frequency data for this variant in the population databases is considered unreliable, as metrics indicate poor data quality at this position in the gnomAD database. This variant has not been reported in the literature in individuals affected with CLPX-related conditions. Invitae Evidence Modeling of protein sequence and biophysical properties (such as structural, functional, and spatial information, amino acid conservation, physicochemical variation, residue mobility, and thermodynamic stability) indicates that this missense variant is not expected to disrupt CLPX protein function with a negative predictive value of 80%. In summary, the available evidence is currently insufficient to determine the role of this variant in disease. Therefore, it has been classified as a Variant of Uncertain Significance.

NM_006660.5(CLPX):c.1753G>A (p.Val585Ile)

Gene: CLPX (caseinolytic mitochondrial matrix peptidase chaperone subunit X; minus strand). Cytogenetic location: 15q22.31.
Variant type: single nucleotide variant.
Coding change: c.1753G>A on transcript NM_006660.5 (MANE Select); coding-DNA position 1753, G replaced by A.
Protein change: p.Val585Ile; replaces valine 585 with isoleucine.
Molecular consequence: missense variant. On other transcripts: non-coding transcript variant (1).
Genome position (GRCh38, 1-based): chr15:65,152,488, C>T on the plus strand (G>A on the coding strand, the complement: CLPX is on the minus strand). VCF-style: chr15-65152488-C-T. GRCh37 (hg19) VCF-style: chr15-65444826-C-T.
Other names: short protein forms V585I.
Identifiers: ClinVar variation 4705327 (VCV004705327.1).